The following is an entry in ClinVar:

NM_000020.3(ACVRL1):c.1277A>G (p.Tyr426Cys)

Gene: ACVRL1 (activin A receptor like type 1; plus strand). Cytogenetic location: 12q13.13.
Variant type: single nucleotide variant.
Coding change: c.1277A>G on transcript NM_000020.3 (MANE Select); coding-DNA position 1277, A replaced by G.
Protein change: p.Tyr426Cys; replaces tyrosine 426 with cysteine.
Molecular consequence: missense variant.
Genome position (GRCh38, 1-based): chr12:51,919,015, A>G. VCF-style: chr12-51919015-A-G. GRCh37 (hg19) VCF-style: chr12-52312799-A-G.
Other names: c.1277A>G, p.Tyr426Cys (NM_001077401.2); short protein forms Y426C.
Identifiers: ClinVar variation 858147 (VCV000858147.11), dbSNP rs771606504, ClinGen allele CA384903776.
Genomic context (GRCh38, chr12:51,919,015, plus strand): 5'-GTGATTGTCCTGTCCATTCTCCATTTCCAGGCATCGTGGAGGACTATAGACCACCCTTCT[A>G]TGATGTGGTGCCCAATGACCCCAGCTTTGAGGACATGAAGAAGGTGGTGTGTGTGGATCA-3'
Protein context (NP_000011.2, residues 416-436): GIVEDYRPPF[Tyr426Cys]DVVPNDPSFE

ClinVar aggregate classification (germline): Pathogenic/Likely pathogenic. Review status: criteria provided, multiple submitters, no conflicts (2 of 4 stars). 2 submissions from 2 submitters: Pathogenic (1); Likely pathogenic (1). Last evaluated 2025-06-03.

Conditions:
Cardiovascular phenotype. Identifiers: MedGen CN230736.
Telangiectasia, hereditary hemorrhagic, type 2 (HHT2). Also called: ACVRL1-Related Hereditary Hemorrhagic Telangiectasia; Telangiectasia, hereditary hemorrhagic, type II. Identifiers: Orphanet 774, MedGen C1838163, MONDO:0010880, OMIM 600376. Disease mechanism: loss of function.

Submissions (2):

Labcorp Genetics (formerly Invitae), Labcorp
Classification: Pathogenic for Telangiectasia, hereditary hemorrhagic, type 2. Last evaluated: 2025-06-03. Review status: criteria provided, single submitter. Criteria: Invitae Variant Classification Sherloc (09022015). Collection method: clinical testing. Allele origin: germline.
Comment: This sequence change replaces tyrosine, which is neutral and polar, with cysteine, which is neutral and slightly polar, at codon 426 of the ACVRL1 protein (p.Tyr426Cys). This variant is not present in population databases (gnomAD no frequency). This missense change has been observed in individual(s) with hereditary hemorrhagic telangiectasia (PMID: 16752392, 22991266; internal data). ClinVar contains an entry for this variant (Variation ID: 858147). Invitae Evidence Modeling of protein sequence and biophysical properties (such as structural, functional, and spatial information, amino acid conservation, physicochemical variation, residue mobility, and thermodynamic stability) has been performed for this missense variant. However, the output from this modeling did not meet the statistical confidence thresholds required to predict the impact of this variant on ACVRL1 protein function. For these reasons, this variant has been classified as Pathogenic.

Ambry Genetics
Classification: Likely pathogenic for Cardiovascular phenotype. Last evaluated: 2016-09-22. Review status: criteria provided, single submitter. Criteria: Ambry Variant Classification Scheme 2023. Collection method: clinical testing. Allele origin: germline.
Comment: The p.Y426C variant (also known as c.1277A>G), located in coding exon 8 of the ACVRL1 gene, results from an A to G substitution at nucleotide position 1277. The tyrosine at codon 426 is replaced by cysteine, an amino acid with highly dissimilar properties. This variant was detected in an individual with telangiectasias, arteriovenous malformations, and a family history of hereditary hemorrhagic telangiectasia (Bossler AD et al. Hum. Mutat., 2006 Jul;27:667-75). In addition, this variant was detected in an individual with a cerebral arteriovenous malformation; additional clinical information was not provided (Nishida T et al. Am. J. Med. Genet. A, 2012 Nov;158A:2829-34). This variant was not reported in population based cohorts in the following databases: Database of Single Nucleotide Polymorphisms (dbSNP), NHLBI Exome Sequencing Project (ESP), and 1000 Genomes Project. In the ESP, this variant was not observed in 6503 samples (13006 alleles) with coverage at this position. This amino acid position is well conserved in mammalian species. In addition, the in silico prediction for this alteration is inconclusive. Based on the majority of available evidence to date, this variant is likely to be pathogenic.

Literature cited by the submitters: PubMed 16752392 (cited by Labcorp Genetics (formerly Invitae), Labcorp and Ambry Genetics); PubMed 22991266 (cited by Labcorp Genetics (formerly Invitae), Labcorp and Ambry Genetics).